The following is an entry in ClinVar:

ClinVar aggregate classification (germline): Conflicting classifications of pathogenicity. Review status: criteria provided, conflicting classifications (1 of 4 stars). 11 submissions from 11 submitters: Uncertain significance (2); Likely benign (6). 3 of the submissions do not count toward it. Last evaluated 2026-09-01.

Conditions:
Developmental and epileptic encephalopathy, 12 (DEE12). Identifiers: MedGen C3150988, MONDO:0013389, OMIM 613722.
Inborn genetic diseases. Identifiers: MedGen C0950123, MeSH D030342.

Allele frequency attached by ClinVar (database versions not stated): gnomAD exomes 0.00075 and 0.00157; ExAC 0.00078; gnomAD 0.00090 and 0.00103; TOPMed 0.00104; ESP Exome Variant Server 0.00108.
gnomAD v4.1: 2,382 of 1,611,642 alleles (0.15%); highest among the groups gnomAD compares: Non-Finnish European, 0.19%; 2 homozygotes.

Submissions (12):

CeGaT Center for Human Genetics Tuebingen
Classification: Likely benign. Last evaluated: 2026-09-01. Review status: criteria provided, single submitter. Criteria: CeGaT Center For Human Genetics Tuebingen Variant Classification Criteria Version 2. Collection method: clinical testing. Allele origin: germline. Affected: yes. Observed: 4 variant alleles.
Comment: PLCB1: BP4, BP7

Labcorp Genetics (formerly Invitae), Labcorp
Classification: Likely benign for Developmental and epileptic encephalopathy, 12. Last evaluated: 2026-01-19. Review status: criteria provided, single submitter. Criteria: Invitae Variant Classification Sherloc (09022015). Collection method: clinical testing. Allele origin: germline.

Mayo Clinic Laboratories, Mayo Clinic
Classification: Likely benign. Last evaluated: 2025-08-01. Review status: criteria provided, single submitter. Criteria: ACMG Guidelines, 2015. Collection method: clinical testing. Allele origin: germline. Observed: 2 variant alleles.
Comment: BS1, BP4, BP7

Blueprint Genetics
Classification: Likely benign. Last evaluated: 2024-11-22. Review status: criteria provided, single submitter. Criteria: ACMG Guidelines, 2015. Collection method: clinical testing. Allele origin: germline.

GeneDx
Classification: Likely benign. Last evaluated: 2021-01-25. Review status: criteria provided, single submitter. Criteria: GeneDx Variant Classification Process June 2021. Collection method: clinical testing. Allele origin: germline. Affected: yes.

Illumina Laboratory Services, Illumina
Classification: Uncertain significance for Developmental and epileptic encephalopathy, 12. Last evaluated: 2018-01-13. Review status: criteria provided, single submitter. Criteria: ICSL Variant Classification Criteria 13 December 2019. Collection method: clinical testing. Allele origin: germline.

Eurofins Ntd Llc (ga)
Classification: Uncertain significance. Last evaluated: 2017-06-09. Review status: criteria provided, single submitter. Criteria: EGL Classification Definitions 2015. Collection method: clinical testing. Allele origin: germline. Observed: 1 variant allele, 1 heterozygote.

Ambry Genetics
Classification: Likely benign for Inborn genetic diseases. Last evaluated: 2016-08-19. Review status: criteria provided, single submitter. Criteria: Ambry Variant Classification Scheme 2023. Collection method: clinical testing. Allele origin: germline.

Clinical Genetics DNA and cytogenetics Diagnostics Lab, Erasmus MC, Erasmus Medical Center
Classification: Likely benign. Review status: no assertion criteria provided. Collection method: clinical testing. Allele origin: germline. Affected: yes. Study: VKGL Data-share Consensus. Not counted in ClinVar's aggregate classification.

Diagnostic Laboratory, Department of Genetics, University Medical Center Groningen
Classification: Likely benign. Review status: no assertion criteria provided. Collection method: clinical testing. Allele origin: germline. Affected: yes. Study: VKGL Data-share Consensus. Not counted in ClinVar's aggregate classification.

Dr. Peter K. Rogan Lab, Western University
No classification provided (evidence only). Condition: Malignant tumor of esophagus. Review status: no classification provided. Collection method: in vitro. Allele origin: not applicable. Functional consequence: retained intron. Not counted in ClinVar's aggregate classification.

Genome Diagnostics Laboratory, University Medical Center Utrecht
Classification: Likely benign. Review status: no assertion criteria provided. Collection method: clinical testing. Allele origin: germline. Affected: yes. Study: VKGL Data-share Consensus. Not counted in ClinVar's aggregate classification.

NM_015192.4(PLCB1):c.1230G>A (p.Ser410=)

Gene: PLCB1 (phospholipase C beta 1; plus strand). Cytogenetic location: 20p12.3.
Variant type: single nucleotide variant.
Coding change: c.1230G>A on transcript NM_015192.4 (MANE Select); coding-DNA position 1230, G replaced by A.
Protein change: p.Ser410=; no amino-acid change (serine 410 retained).
Molecular consequence: synonymous variant.
Genome position (GRCh38, 1-based): chr20:8,708,732, G>A. VCF-style: chr20-8708732-G-A. GRCh37 (hg19) VCF-style: chr20-8689379-G-A.
Other names: p.Ser410=; c.1230G>A, p.Ser410= (NM_182734.3).
Identifiers: ClinVar variation 502172 (VCV000502172.56), dbSNP rs148848282, ClinGen allele CA9759903.